The following is an entry in ClinVar:

NM_001844.5(COL2A1):c.4075-2A>C

Gene: COL2A1 (collagen type II alpha 1 chain; minus strand). Cytogenetic location: 12q13.11.
Variant type: single nucleotide variant.
Coding change: c.4075-2A>C on transcript NM_001844.5 (MANE Select); the canonical splice acceptor site of the intron before coding-DNA position 4075, A replaced by C.
Molecular consequence: splice acceptor variant.
Genome position (GRCh38, 1-based): chr12:47,974,333, T>G on the plus strand (A>C on the coding strand, the complement: COL2A1 is on the minus strand). VCF-style: chr12-47974333-T-G. GRCh37 (hg19) VCF-style: chr12-48368116-T-G.
Other names: c.3868-2A>C (NM_033150.3).
Identifiers: ClinVar variation 3893185 (VCV003893185.1).

ClinVar aggregate classification (germline): Likely pathogenic (1 of 4 stars; one submission).

Conditions:
Stickler syndrome type 1 (STL1). Also called: STICKLER SYNDROME, MEMBRANOUS VITREOUS TYPE; STICKLER SYNDROME, VITREOUS TYPE 1; ARTHROOPHTHALMOPATHY, HEREDITARY PROGRESSIVE; COL2A1-Related Stickler Syndrome. Identifiers: Orphanet 828, Orphanet 90653, MedGen C2020284, MONDO:0007160, OMIM 108300.

Submission:

Equipe Genetique des Anomalies du Developpement, Université de Bourgogne
Classification: Likely pathogenic for Stickler syndrome type 1. Last evaluated: 2025-01-22. Review status: criteria provided, single submitter. Criteria: ACMG Guidelines, 2015. Collection method: clinical testing. Allele origin: germline. Affected: yes.
Comment: The c.4075-2A>C intronic variant present in a heterozygous state is absent from gnomAD (v.4.1.0). In silico prediction scores predict a splicing effect (SPiP 98.41%, spliceAI AL 1.00). Pathogenic monoallelic variants in the COL2A1 gene are responisble for numerous phenotypes, including type 1 nonsyndromic ocular Stickler syndrome (OMIM #609508), of autosomal dominant transmission. According to the available evidence, this variant is considered to be likely pathogenic.